The following is an entry in ClinVar:

ClinVar aggregate classification (germline): Uncertain significance. Review status: criteria provided, multiple submitters, no conflicts (2 of 4 stars). 2 submissions from 2 submitters: Uncertain significance (2). Last evaluated 2025-10-28.

Conditions:
Treacher Collins syndrome 1 (TCS1). Also called: TCOF1-Related Treacher Collins Syndrome. Identifiers: Orphanet 861, MedGen CN315775, MONDO:0007944, OMIM 154500.
TCOF1-related disorder. Also called: TCOF1-related condition.

gnomAD v4.1: 6 of 1,614,208 alleles (0.00037%); highest among the groups gnomAD compares: Non-Finnish European, 0.00051%; no homozygotes.

Submissions (2):

Labcorp Genetics (formerly Invitae), Labcorp
Classification: Uncertain significance for Treacher Collins syndrome 1. Last evaluated: 2025-10-28. Review status: criteria provided, single submitter. Criteria: Invitae Variant Classification Sherloc (09022015). Collection method: clinical testing. Allele origin: germline.
Comment: This sequence change replaces glutamic acid, which is acidic and polar, with lysine, which is basic and polar, at codon 268 of the TCOF1 protein (p.Glu268Lys). This variant is not present in population databases (gnomAD no frequency). This variant has not been reported in the literature in individuals affected with TCOF1-related conditions. ClinVar contains an entry for this variant (Variation ID: 2631188). An algorithm developed to predict the effect of missense changes on protein structure and function (PolyPhen-2) suggests that this variant is likely to be tolerated. In summary, the available evidence is currently insufficient to determine the role of this variant in disease. Therefore, it has been classified as a Variant of Uncertain Significance.

PreventionGenetics, part of Exact Sciences
Classification: Uncertain significance for TCOF1-related condition. Last evaluated: 2023-07-04. Review status: criteria provided, single submitter. Criteria: ACMG Guidelines, 2015. Collection method: clinical testing. Allele origin: germline.
Comment: The TCOF1 c.802G>A variant is predicted to result in the amino acid substitution p.Glu268Lys. To our knowledge, this variant has not been reported in the literature or in a large population database, indicating this variant is rare. At this time, the clinical significance of this variant is uncertain due to the absence of conclusive functional and genetic evidence.

NM_001371623.1(TCOF1):c.802G>A (p.Glu268Lys)

Gene: TCOF1 (treacle ribosome biogenesis factor 1; plus strand). Cytogenetic location: 5q32.
Variant type: single nucleotide variant.
Coding change: c.802G>A on transcript NM_001371623.1 (MANE Select); coding-DNA position 802, G replaced by A.
Protein change: p.Glu268Lys; replaces glutamic acid 268 with lysine.
Molecular consequence: missense variant. On other transcripts: intron variant (2).
Genome position (GRCh38, 1-based): chr5:150,372,168, G>A. VCF-style: chr5-150372168-G-A. GRCh37 (hg19) VCF-style: chr5-149751731-G-A.
Other names: c.802G>A, p.Glu268Lys (NM_001008657.3, NM_001135243.2, NM_001135244.2 and 1 more transcripts); c.640-2006G>A (NM_001135245.2, NM_000356.4); short protein forms E268K.
Identifiers: ClinVar variation 2631188 (VCV002631188.2), dbSNP rs377241141, ClinGen allele CA361739739.
Genomic context (GRCh38, chr5:150,372,168, plus strand): 5'-GTGACACCCCAGGTCAAAGGAGGGGCCCTGCCCCCAGCCAAGAGGGCCAAGAAGCCAGAA[G>A]AGGAGTCAGAGAGTAGTGAGGAGGGATCTGAAAGTGAGGAGGAGGCCCCTGCAGGGACAC-3'
Protein context (NP_001358552.1, residues 258-278): PPAKRAKKPE[Glu268Lys]ESESSEEGSE